The following is an entry in ClinVar:

NM_001379500.1(COL18A1):c.3533del (p.Gly1178fs)

Genes: COL18A1 (collagen type XVIII alpha 1 chain; plus strand), SLC19A1 (solute carrier family 19 member 1; minus strand). Cytogenetic location: 21q22.3.
Variant type: Deletion.
Coding change: c.3533del on transcript NM_001379500.1 (MANE Select); coding-DNA position 3533, one base deleted (G; older notation c.3533delG).
Protein change: p.Gly1178fs; shifts the reading frame from glycine 1178.
Molecular consequence: frameshift variant.
Genome position (GRCh38, 1-based): chr21:45,510,101, G deleted; the last of 2 consecutive G bases (chr21:45,510,100-45,510,101); deleting either gives the same sequence. VCF-style (leftmost placement, unchanged base first): chr21-45510099-CG-C. GRCh37 (hg19) VCF-style: chr21-46930013-CG-C.
Other names: c.4064del, p.Gly1355fs (NM_030582.4); c.4769del, p.Gly1590fs (NM_130444.3); short protein forms G1178fs, G1355fs, G1590fs.
Identifiers: ClinVar variation 2822506 (VCV002822506.3), dbSNP rs2517855846, ClinGen allele CA2739267724.

ClinVar aggregate classification (germline): Pathogenic (1 of 4 stars; one submission).

Submission:

Labcorp Genetics (formerly Invitae), Labcorp
Classification: Pathogenic. Last evaluated: 2022-12-20. Review status: criteria provided, single submitter. Criteria: Invitae Variant Classification Sherloc (09022015). Collection method: clinical testing. Allele origin: germline.
Comment: For these reasons, this variant has been classified as Pathogenic. This variant has not been reported in the literature in individuals affected with COL18A1-related conditions. This variant is not present in population databases (gnomAD no frequency). This sequence change creates a premature translational stop signal (p.Gly1175Alafs*73) in the COL18A1 gene. It is expected to result in an absent or disrupted protein product. Loss-of-function variants in COL18A1 are known to be pathogenic (PMID: 12415512, 25456301).

Literature cited by the submitters: PubMed 12415512; PubMed 25456301.